The following is an entry in ClinVar:

ClinVar aggregate classification (germline): Likely benign (1 of 4 stars; one submission).

gnomAD v4.1: 6 of 1,613,960 alleles (0.00037%); highest among the groups gnomAD compares: Non-Finnish European, 0.00051%; no homozygotes.

Submission:

Molecular Diagnostic Laboratory for Inherited Cardiovascular Disease, Montreal Heart Institute
Classification: Likely benign. Last evaluated: 2026-09-21. Review status: criteria provided, single submitter. Criteria: ACMG Guidelines, 2015. Collection method: clinical testing. Allele origin: germline. Affected: no.
Comment: BP7

NM_005070.4(SLC4A3):c.3084G>A (p.Leu1028=)

Gene: SLC4A3 (solute carrier family 4 member 3; plus strand). Cytogenetic location: 2q35.
Variant type: single nucleotide variant.
Coding change: c.3084G>A on transcript NM_005070.4 (MANE Select); coding-DNA position 3084, G replaced by A.
Protein change: p.Leu1028=; no amino-acid change (leucine 1028 retained).
Molecular consequence: synonymous variant. On other transcripts: non-coding transcript variant (1).
Genome position (GRCh38, 1-based): chr2:219,639,542, G>A. VCF-style: chr2-219639542-G-A. GRCh37 (hg19) VCF-style: chr2-220504264-G-A.
Other names: c.3165G>A, p.Leu1055= (NM_001326559.2, NM_201574.3); c.3084G>A, p.Leu1028= (NM_001438863.1); c.2490G>A, p.Leu830= (NM_001438864.1).
Identifiers: ClinVar variation 5037801 (VCV005037801.1), dbSNP rs369821892.